The following is an entry in ClinVar:

ClinVar aggregate classification (germline): Pathogenic/Likely pathogenic. Review status: criteria provided, multiple submitters, no conflicts (2 of 4 stars). 3 submissions from 3 submitters: Pathogenic (1); Likely pathogenic (2). Last evaluated 2025-01-23.

Conditions:
Cardiomyopathy (CMYO). Also called: Cardiomyopathies. Identifiers: Orphanet 167848, MedGen C0878544, MONDO:0004994, HP:0001638. Inheritance: Various modes of inheritance.
Cardiomyopathy, familial hypertrophic 27. Identifiers: MedGen C4748014, MONDO:0054838, OMIM 618052.

Submissions (3):

Petrovsky National Research Centre of Surgery, The Federal Agency for Scientific Organizations
Classification: Likely pathogenic for Cardiomyopathy. Last evaluated: 2025-01-23. Review status: criteria provided, single submitter. Criteria: ACMG Guidelines, 2015. Collection method: research. Allele origin: unknown. Inheritance: Autosomal dominant inheritance. Affected: yes. Observed: 1 heterozygote.
Comment: This variant is absent in The Genome Aggregation Database (gnomAD) v4.1.0 (Date of access with 11-12-2024). Clinvar doesn’t contain an entry for this variant. This variant has not been reported in any study to our knowledge. Deletion predicts the cause of NMD. In accordance with ACMG(2015) criteria this variant is classified as Likely pathogenic with following criteria selected: PVS1, PM2.

MVZ Praenatalmedizin und Genetik Nuernberg
Classification: Likely pathogenic for Cardiomyopathy, familial hypertrophic 27. Last evaluated: 2024-12-16. Review status: criteria provided, single submitter. Criteria: ACMG Guidelines, 2015. Collection method: clinical testing. Allele origin: germline.
Comment: A second variant in ALPK3 was not detected. The variant c.663_664delinsG in exon 5 of 14 leads to a shift in the reading frame and consequently probably to premature degradation of the mRNA (nonsense-mediated decay, NMD) or to premature truncation of the protein (p.(Phe221Leufs*7)). The variant has not yet been recorded in the population-based database gnomAD (v.2, v.4) or the ClinVar database, nor has it been described in the literature. However, the nonsense variant c.664C>T with presumably similar consequences (p.(Gln222Ter)) has been classified as pathogenic in ClinVar once (LabCorp, 2024). Downstream, other truncating ALPK3 variants are described as pathogenic, so loss-of-function is a typical pathomechanism. In summary, based on the current data, we believe that this is a likely pathogenic change for autosomal recessive hypertrophic cardiomyopathy.

3billion
Classification: Pathogenic for Cardiomyopathy, familial hypertrophic 27. Last evaluated: 2024-11-25. Review status: criteria provided, single submitter. Criteria: ACMG Guidelines, 2015. Collection method: clinical testing. Allele origin: germline. Affected: yes.
Comment: The variant is not observed in the gnomAD v4.1.0 dataset. Predicted Consequence/Location: Frameshift: predicted to result in a loss or disruption of normal protein function through nonsense-mediated decay (NMD) or protein truncation. Multiple pathogenic variants are reported downstream of the variant. The variant was homozygous. Therefore, this variant is classified as Pathogenic according to the recommendation of ACMG/AMP guideline.

NM_020778.5(ALPK3):c.663_664delinsG (p.Phe221fs)

Gene: ALPK3 (alpha kinase 3; plus strand). Cytogenetic location: 15q25.3.
Variant type: Indel.
Coding change: c.663_664delinsG on transcript NM_020778.5 (MANE Select); coding-DNA positions 663 to 664, CC replaced by G.
Protein change: p.Phe221fs; shifts the reading frame from phenylalanine 221.
Molecular consequence: frameshift variant.
Genome position (GRCh38, 1-based): chr15:84,839,942-84,839,943, CC replaced by G. VCF-style: chr15-84839942-CC-G. GRCh37 (hg19) VCF-style: chr15-85383173-CC-G.
Other names: c.663_664delCCinsG (NM_020778.5); short protein forms F221fs.
Identifiers: ClinVar variation 4292172 (VCV004292172.2).